The following is an entry in ClinVar:

NM_003737.4(DCHS1):c.9449T>C (p.Ile3150Thr)

Gene: DCHS1 (dachsous cadherin-related 1; minus strand). Cytogenetic location: 11p15.4.
Variant type: single nucleotide variant.
Coding change: c.9449T>C on transcript NM_003737.4 (MANE Select); coding-DNA position 9449, T replaced by C.
Protein change: p.Ile3150Thr; replaces isoleucine 3150 with threonine.
Molecular consequence: missense variant.
Genome position (GRCh38, 1-based): chr11:6,622,227, A>G on the plus strand (T>C on the coding strand, the complement: DCHS1 is on the minus strand). VCF-style: chr11-6622227-A-G. GRCh37 (hg19) VCF-style: chr11-6643458-A-G.
Other names: short protein forms I3150T.
Identifiers: ClinVar variation 1303612 (VCV001303612.3), dbSNP rs1195662828, ClinGen allele CA379478728.

ClinVar aggregate classification (germline): Uncertain significance (1 of 4 stars; one submission).

Allele frequency attached by ClinVar (database versions not stated): gnomAD exomes below 0.00001 and 0.00001.
gnomAD v4.1: 7 of 1,601,860 alleles (0.00044%); highest among the groups gnomAD compares: Admixed American, 0.0017%; no homozygotes.

Submission:

GeneDx
Classification: Uncertain significance. Last evaluated: 2026-01-21. Review status: criteria provided, single submitter. Criteria: GeneDx Variant Classification Process June 2021. Collection method: clinical testing. Allele origin: germline. Affected: yes.
Comment: Not observed at significant frequency in large population cohorts (gnomAD); In silico analysis supports that this missense variant has a deleterious effect on protein structure/function; Has not been previously published as pathogenic or benign to our knowledge